The following is an entry in ClinVar:

NM_014297.5(ETHE1):c.43del (p.Gln15fs)

Gene: ETHE1 (ETHE1 persulfide dioxygenase; minus strand). Cytogenetic location: 19q13.31.
Variant type: Deletion.
Coding change: c.43del on transcript NM_014297.5 (MANE Select); coding-DNA position 43, one base deleted (C; older notation c.43delC).
Protein change: p.Gln15fs; shifts the reading frame from glutamine 15.
Molecular consequence: frameshift variant. On other transcripts: 5 prime UTR variant (1).
Genome position (GRCh38, 1-based): chr19:43,527,135, G deleted on the plus strand (C on the coding strand, the reverse complement: ETHE1 is on the minus strand); the first of 2 consecutive G bases (chr19:43,527,135-43,527,136); deleting either gives the same sequence. VCF-style (leftmost placement, unchanged base first): chr19-43527134-TG-T. GRCh37 (hg19) VCF-style: chr19-44031286-TG-T.
Other names: c.43del, p.Gln15fs (NM_001320867.2, NM_001320869.2); c.-178del (NM_001320868.2); short protein forms Q15fs.
Identifiers: ClinVar variation 1941827 (VCV001941827.5), dbSNP rs2513631693, ClinGen allele CA2580097371.

ClinVar aggregate classification (germline): Pathogenic (1 of 4 stars; one submission).

Conditions:
Ethylmalonic encephalopathy (EE). Also called: EPEMA syndrome; Encephalopathy, petechiae, and ethylmalonic aciduria; Syndrome of encephalopathy, petechiae, and ethylmalonic aciduria. Identifiers: Orphanet 51188, MedGen C1865349, MONDO:0011229, OMIM 602473. Disease mechanism: loss of function.

Submission:

Labcorp Genetics (formerly Invitae), Labcorp
Classification: Pathogenic for Ethylmalonic encephalopathy. Last evaluated: 2022-08-20. Review status: criteria provided, single submitter. Criteria: Invitae Variant Classification Sherloc (09022015). Collection method: clinical testing. Allele origin: germline.
Comment: For these reasons, this variant has been classified as Pathogenic. This variant has not been reported in the literature in individuals affected with ETHE1-related conditions. This variant is not present in population databases (gnomAD no frequency). This sequence change creates a premature translational stop signal (p.Gln15Serfs*18) in the ETHE1 gene. It is expected to result in an absent or disrupted protein product. Loss-of-function variants in ETHE1 are known to be pathogenic (PMID: 14732903, 19136963).

Literature cited by the submitters: PubMed 14732903; PubMed 19136963.